The following is an entry in ClinVar:

ClinVar aggregate classification (germline): Benign (1 of 4 stars; one submission).

Allele frequency attached by ClinVar (database versions not stated): gnomAD 0.04669 and 0.04617; TOPMed 0.04957; 1000 Genomes Project 0.04014; 1000 Genomes Project 30x 0.04138.
gnomAD v4.1: 44,110 of 809,520 alleles (5.4%); highest among the groups gnomAD compares: Middle Eastern, 14%; 1,418 homozygotes.

Submission:

GeneDx
Classification: Benign. Last evaluated: 2018-06-19. Review status: criteria provided, single submitter. Criteria: GeneDx Variant Classification (06012015). Collection method: clinical testing. Allele origin: germline. Affected: yes.
Comment: This variant is considered likely benign or benign based on one or more of the following criteria: it is a conservative change, it occurs at a poorly conserved position in the protein, it is predicted to be benign by multiple in silico algorithms, and/or has population frequency not consistent with disease.

NM_001347721.2(DYRK1A):c.207+112G>A

Gene: DYRK1A (dual specificity tyrosine phosphorylation regulated kinase 1A; plus strand). Cytogenetic location: 21q22.13.
Variant type: single nucleotide variant.
Coding change: c.207+112G>A on transcript NM_001347721.2 (MANE Select); 112 bases into the intron after coding-DNA position 207, G replaced by A.
Molecular consequence: intron variant.
Genome position (GRCh38, 1-based): chr21:37,472,992, G>A. VCF-style: chr21-37472992-G-A. GRCh37 (hg19) VCF-style: chr21-38845294-G-A.
Other names: c.207+112G>A (NM_001396.5, NM_001347722.2, NM_101395.2 and 2 more transcripts); c.120+112G>A (NM_001347723.2).
Identifiers: ClinVar variation 674489 (VCV000674489.1), dbSNP rs2898316, ClinGen allele CA320472105.